The following is an entry in ClinVar:

ClinVar aggregate classification (germline): Uncertain significance. Review status: criteria provided, multiple submitters, no conflicts (2 of 4 stars). 2 submissions from 2 submitters: Uncertain significance (2). Last evaluated 2025-05-12.

Conditions:
Inborn genetic diseases. Identifiers: MedGen C0950123, MeSH D030342.

gnomAD v4.1: 1 of 1,601,374 alleles (0.000062%); no homozygotes.

Submissions (2):

Labcorp Genetics (formerly Invitae), Labcorp
Classification: Uncertain significance. Last evaluated: 2025-05-12. Review status: criteria provided, single submitter. Criteria: Invitae Variant Classification Sherloc (09022015). Collection method: clinical testing. Allele origin: germline.
Comment: This sequence change replaces phenylalanine, which is neutral and non-polar, with isoleucine, which is neutral and non-polar, at codon 133 of the PCNT protein (p.Phe133Ile). This variant is present in population databases (no rsID available, gnomAD 0.006%). This variant has not been reported in the literature in individuals affected with PCNT-related conditions. ClinVar contains an entry for this variant (Variation ID: 1928103). An algorithm developed to predict the effect of missense changes on protein structure and function (PolyPhen-2) suggests that this variant is likely to be tolerated. In summary, the available evidence is currently insufficient to determine the role of this variant in disease. Therefore, it has been classified as a Variant of Uncertain Significance.

Ambry Genetics
Classification: Uncertain significance for Inborn genetic diseases. Last evaluated: 2023-05-31. Review status: criteria provided, single submitter. Criteria: Ambry Variant Classification Scheme 2023. Collection method: clinical testing. Allele origin: germline.

NM_006031.6(PCNT):c.397T>A (p.Phe133Ile)

Gene: PCNT (pericentrin; plus strand). Cytogenetic location: 21q22.3.
Variant type: single nucleotide variant.
Coding change: c.397T>A on transcript NM_006031.6 (MANE Select); coding-DNA position 397, T replaced by A.
Protein change: p.Phe133Ile; replaces phenylalanine 133 with isoleucine.
Molecular consequence: missense variant.
Genome position (GRCh38, 1-based): chr21:46,334,526, T>A. VCF-style: chr21-46334526-T-A. GRCh37 (hg19) VCF-style: chr21-47754440-T-A.
Other names: c.43T>A, p.Phe15Ile (NM_001315529.2); c.397T>A (NM_006031.5); short protein forms F133I, F15I.
Identifiers: ClinVar variation 1928103 (VCV001928103.7), dbSNP rs1397737738, ClinGen allele CA410559898.